The following is an entry in ClinVar:

ClinVar aggregate classification (germline): Uncertain significance. Review status: criteria provided, multiple submitters, no conflicts (2 of 4 stars). 3 submissions from 3 submitters: Uncertain significance (3). Last evaluated 2023-04-06.

Conditions:
Hereditary cancer-predisposing syndrome. Also called: Hereditary neoplastic syndrome; Neoplastic Syndromes, Hereditary; Tumor predisposition; Hereditary Cancer Syndrome. Identifiers: Orphanet 140162, MedGen C0027672, MeSH D009386, MONDO:0015356.
Familial cancer of breast. Also called: BREAST CANCER, FAMILIAL; Hereditary breast cancer; hereditary breast carcinoma. Identifiers: Orphanet 227535, MedGen C0346153, MONDO:0016419, OMIM 114480. Disease mechanism: loss of function.

Submissions (3):

Labcorp Genetics (formerly Invitae), Labcorp
Classification: Uncertain significance for Familial cancer of breast. Last evaluated: 2023-04-06. Review status: criteria provided, single submitter. Criteria: Invitae Variant Classification Sherloc (09022015). Collection method: clinical testing. Allele origin: germline.
Comment: In summary, the available evidence is currently insufficient to determine the role of this variant in disease. Therefore, it has been classified as a Variant of Uncertain Significance. RNA analysis performed to evaluate the impact of this missense change on mRNA splicing indicates it does not significantly alter splicing (Invitae). An algorithm developed to predict the effect of missense changes on protein structure and function (PolyPhen-2) suggests that this variant is likely to be disruptive. ClinVar contains an entry for this variant (Variation ID: 246407). This variant has not been reported in the literature in individuals affected with BARD1-related conditions. This variant is not present in population databases (gnomAD no frequency). This sequence change replaces proline, which is neutral and non-polar, with threonine, which is neutral and polar, at codon 657 of the BARD1 protein (p.Pro657Thr).

Ambry Genetics
Classification: Uncertain significance for Hereditary cancer-predisposing syndrome. Last evaluated: 2021-09-08. Review status: criteria provided, single submitter. Criteria: Ambry Variant Classification Scheme 2023. Collection method: clinical testing. Allele origin: germline.
Comment: The p.P657T variant (also known as c.1969C>A), located in coding exon 10 of the BARD1 gene, results from a C to A substitution at nucleotide position 1969. The proline at codon 657 is replaced by threonine, an amino acid with highly similar properties. This amino acid position is well conserved in available vertebrate species. In addition, the in silico prediction for this alteration is inconclusive. Since supporting evidence is limited at this time, the clinical significance of this alteration remains unclear.

GeneDx
Classification: Uncertain significance. Last evaluated: 2016-02-12. Review status: criteria provided, single submitter. Criteria: GeneDx Variant Classification (06012015). Collection method: clinical testing. Allele origin: germline. Affected: yes.
Comment: This variant is denoted BARD1 c.1969C>A at the cDNA level, p.Pro657Thr (P657T) at the protein level, and results in the change of a Proline to a Threonine (CCA>ACA). This variant has not, to our knowledge, been published in the literature as pathogenic or benign. BARD1 Pro657Thr was not observed in approximately 6,500 individuals of European and African American ancestry in the NHLBI Exome Sequencing Project, suggesting it is not a common benign variant in these populations. Since Proline and Threonine differ in polarity, charge, size or other properties, this is considered a non-conservative amino acid substitution. BARD1 Pro657Thr occurs at a position that is conserved in mammals and is not located in a known functional domain (UniProt). Protein-based in silico analyses predict that this variant is probably damaging to protein structure and function. In addition, multiple splicing models predict that this variant may create a cryptic splice donor site and lead to abnormal splicing. However, in the absence of RNA or functional studies, the actual effect of this variant is unknown. Based on currently available evidence, it is unclear whether BARD1 Pro657Thr is a pathogenic or benign variant. We consider it to be a variant of uncertain significance.

NM_000465.4(BARD1):c.1969C>A (p.Pro657Thr)

Gene: BARD1 (BRCA1 associated RING domain 1; minus strand). Cytogenetic location: 2q35.
Variant type: single nucleotide variant.
Coding change: c.1969C>A on transcript NM_000465.4 (MANE Select); coding-DNA position 1969, C replaced by A.
Protein change: p.Pro657Thr; replaces proline 657 with threonine.
Molecular consequence: missense variant. On other transcripts: non-coding transcript variant (3).
Genome position (GRCh38, 1-based): chr2:214,730,443, G>T on the plus strand (C>A on the coding strand, the complement: BARD1 is on the minus strand). VCF-style: chr2-214730443-G-T. GRCh37 (hg19) VCF-style: chr2-215595167-G-T.
Other names: c.1912C>A, p.Pro638Thr (NM_001282543.2); c.616C>A, p.Pro206Thr (NM_001282545.2); c.559C>A, p.Pro187Thr (NM_001282548.2); c.430C>A, p.Pro144Thr (NM_001282549.2); short protein forms P657T, P206T, P638T, P144T, P187T.
Identifiers: ClinVar variation 246407 (VCV000246407.9), dbSNP rs879254244, ClinGen allele CA10584171.